The following is an entry in ClinVar:

NM_000268.4(NF2):c.745A>T (p.Arg249Ter)

Gene: NF2 (NF2, moesin-ezrin-radixin like (MERLIN) tumor suppressor; plus strand). Cytogenetic location: 22q12.2.
Variant type: single nucleotide variant.
Coding change: c.745A>T on transcript NM_000268.4 (MANE Select); coding-DNA position 745, A replaced by T.
Protein change: p.Arg249Ter; replaces arginine 249 with a stop codon.
Molecular consequence: nonsense. On other transcripts: non-coding transcript variant (1), intron variant (1).
Genome position (GRCh38, 1-based): chr22:29,661,274, A>T. VCF-style: chr22-29661274-A-T. GRCh37 (hg19) VCF-style: chr22-30057263-A-T.
Other names: c.631A>T, p.Arg211Ter (NM_001407053.1, NM_001407056.1); c.622A>T, p.Arg208Ter (NM_001407054.1, NM_001407058.1, NM_181829.3); c.619A>T, p.Arg207Ter (NM_001407055.1, NM_181828.3); c.745A>T, p.Arg249Ter (NM_001407060.1, NM_001407066.1, NM_016418.5 and 2 more transcripts); c.496A>T, p.Arg166Ter (NM_001407063.1, NM_001407064.1, NM_181830.3 and 1 more transcripts); c.211A>T, p.Arg71Ter (NM_001407065.1); c.514A>T, p.Arg172Ter (NM_001407067.1); c.447+18989A>T (NM_181833.3); short protein forms R166*, R172*, R207*, R211*, R208*, R249*, R71*.
Identifiers: ClinVar variation 1759008 (VCV001759008.2), dbSNP rs2147009482, ClinGen allele CA411143880.
Genomic context (GRCh38, chr22:29,661,274, plus strand): 5'-GGCACAGAGCTGCTGCTTGGAGTGGATGCCCTGGGGCTTCACATTTATGACCCTGAGAAC[A>T]GACTGACCCCCAAGATCTCCTTCCCGTGGAATGAAATCCGAAACATCTCGTACAGTGACA-3'

ClinVar aggregate classification (germline): Pathogenic (1 of 4 stars; one submission).

Conditions:
Hereditary cancer-predisposing syndrome. Also called: Neoplastic Syndromes, Hereditary; Tumor predisposition; Hereditary Cancer Syndrome; Hereditary neoplastic syndrome. Identifiers: Orphanet 140162, MedGen C0027672, MeSH D009386, MONDO:0015356.

Submission:

Ambry Genetics
Classification: Pathogenic for Hereditary cancer-predisposing syndrome. Last evaluated: 2019-07-30. Review status: criteria provided, single submitter. Criteria: Ambry Variant Classification Scheme 2023. Collection method: clinical testing. Allele origin: germline.
Comment: The p.R249* pathogenic mutation (also known as c.745A>T), located in coding exon 8 of the NF2 gene, results from an A to T substitution at nucleotide position 745. This changes the amino acid from an arginine to a stop codon within coding exon 8. This alteration is expected to result in loss of function by premature protein truncation or nonsense-mediated mRNA decay. As such, this alteration is interpreted as a disease-causing mutation.